The following is an entry in ClinVar:

NM_004560.4(ROR2):c.1771G>A (p.Asp591Asn)

Gene: ROR2 (ROR family WNT receptor 2; minus strand). Cytogenetic location: 9q22.31.
Variant type: single nucleotide variant.
Coding change: c.1771G>A on transcript NM_004560.4 (MANE Select); coding-DNA position 1771, G replaced by A.
Protein change: p.Asp591Asn; replaces aspartic acid 591 with asparagine.
Molecular consequence: missense variant.
Genome position (GRCh38, 1-based): chr9:91,724,723, C>T on the plus strand (G>A on the coding strand, the complement: ROR2 is on the minus strand). VCF-style: chr9-91724723-C-T. GRCh37 (hg19) VCF-style: chr9-94487005-C-T.
Other names: c.1771G>A (NM_004560.3); short protein forms D591N.
Identifiers: ClinVar variation 1399575 (VCV001399575.9), dbSNP rs768175141, ClinGen allele CA5120570.

ClinVar aggregate classification (germline): Uncertain significance. Review status: criteria provided, multiple submitters, no conflicts (2 of 4 stars). 4 submissions from 4 submitters: Uncertain significance (4). Last evaluated 2026-08-31.

Conditions:
Brachydactyly type B1 (BDB1). Identifiers: Orphanet 572385, Orphanet 93383, MedGen C1862112, MONDO:0007220, OMIM 113000.
Autosomal recessive Robinow syndrome (RRS1). Also called: ROBINOW SYNDROME, AUTOSOMAL RECESSIVE 1; COSTOVERTEBRAL SEGMENTATION DEFECT WITH MESOMELIA; COVESDEM SYNDROME; ROR2-Related Robinow Syndrome. Identifiers: Orphanet 1507, Orphanet 97360, MedGen C5399974, MONDO:0009999, OMIM 268310.
ROR2-related disorder. Also called: ROR2-related condition; ROR2-related disorders.

Allele frequency attached by ClinVar (database versions not stated): ExAC 0.00001; gnomAD 0.00002 and 0.00003; gnomAD exomes 0.00004; TOPMed 0.00011.
gnomAD v4.1: 63 of 1,614,014 alleles (0.0039%); highest among the groups gnomAD compares: African/African-American, 0.008%; no homozygotes.

Submissions (4):

PreventionGenetics, part of Exact Sciences
Classification: Uncertain significance for ROR2-related condition. Last evaluated: 2026-08-31. Review status: criteria provided, single submitter. Criteria: ACMG Guidelines, 2015. Collection method: clinical testing. Allele origin: germline.
Comment: The ROR2 c.1771G>A variant is predicted to result in the amino acid substitution p.Asp591Asn. To our knowledge, this variant has not been reported in the literature. This variant is reported in 0.0056% of alleles in individuals of Latino descent in gnomAD. At this time, the clinical significance of this variant is uncertain due to the absence of conclusive functional and genetic evidence.

Labcorp Genetics (formerly Invitae), Labcorp
Classification: Uncertain significance. Last evaluated: 2026-01-21. Review status: criteria provided, single submitter. Criteria: Invitae Variant Classification Sherloc (09022015). Collection method: clinical testing. Allele origin: germline.
Comment: This sequence change replaces aspartic acid, which is acidic and polar, with asparagine, which is neutral and polar, at codon 591 of the ROR2 protein (p.Asp591Asn). This variant is present in population databases (rs768175141, gnomAD 0.006%). This variant has not been reported in the literature in individuals affected with ROR2-related conditions. ClinVar contains an entry for this variant (Variation ID: 1399575). Invitae Evidence Modeling of protein sequence and biophysical properties (such as structural, functional, and spatial information, amino acid conservation, physicochemical variation, residue mobility, and thermodynamic stability) indicates that this missense variant is expected to disrupt ROR2 protein function with a positive predictive value of 80%. In summary, the available evidence is currently insufficient to determine the role of this variant in disease. Therefore, it has been classified as a Variant of Uncertain Significance.

Fulgent Genetics
Classification: Uncertain significance for Brachydactyly type B1; Autosomal recessive Robinow syndrome. Last evaluated: 2022-03-24. Review status: criteria provided, single submitter. Criteria: ACMG Guidelines, 2015. Collection method: clinical testing. Allele origin: unknown.

Breakthrough Genomics
Classification: Uncertain significance. Review status: criteria provided, single submitter. Criteria: ACMG Guidelines, 2015. Collection method: not provided. Allele origin: germline. Inheritance: Autosomal recessive inheritance. Affected: yes.